The following is an entry in ClinVar:

ClinVar aggregate classification (germline): Uncertain significance (1 of 4 stars; one submission).

Allele frequency attached by ClinVar (database versions not stated): gnomAD exomes below 0.00001; gnomAD 0.00001; 1000 Genomes Project 30x 0.00031.
gnomAD v4.1: 3 of 1,609,864 alleles (0.00019%); highest among the groups gnomAD compares: Admixed American, 0.005%; no homozygotes.

Submission:

Labcorp Genetics (formerly Invitae), Labcorp
Classification: Uncertain significance. Last evaluated: 2022-10-28. Review status: criteria provided, single submitter. Criteria: Invitae Variant Classification Sherloc (09022015). Collection method: clinical testing. Allele origin: germline.
Comment: This sequence change replaces methionine, which is neutral and non-polar, with threonine, which is neutral and polar, at codon 3668 of the ADGRV1 protein (p.Met3668Thr). This variant is not present in population databases (gnomAD no frequency). This variant has not been reported in the literature in individuals affected with ADGRV1-related conditions. ClinVar contains an entry for this variant (Variation ID: 1351915). Advanced modeling of protein sequence and biophysical properties (such as structural, functional, and spatial information, amino acid conservation, physicochemical variation, residue mobility, and thermodynamic stability) performed at Invitae indicates that this missense variant is not expected to disrupt ADGRV1 protein function. In summary, the available evidence is currently insufficient to determine the role of this variant in disease. Therefore, it has been classified as a Variant of Uncertain Significance.

NM_032119.4(ADGRV1):c.11003T>C (p.Met3668Thr)

Gene: ADGRV1 (adhesion G protein-coupled receptor V1; plus strand). Cytogenetic location: 5q14.3.
Variant type: single nucleotide variant.
Coding change: c.11003T>C on transcript NM_032119.4 (MANE Select); coding-DNA position 11003, T replaced by C.
Protein change: p.Met3668Thr; replaces methionine 3668 with threonine.
Molecular consequence: missense variant. On other transcripts: non-coding transcript variant (1).
Genome position (GRCh38, 1-based): chr5:90,750,579, T>C. VCF-style: chr5-90750579-T-C. GRCh37 (hg19) VCF-style: chr5-90046396-T-C.
Other names: short protein forms M3668T.
Identifiers: ClinVar variation 1351915 (VCV001351915.5), dbSNP rs1755128114, ClinGen allele CA360362537.
Genomic context (GRCh38, chr5:90,750,579, plus strand): 5'-AACCCCTTGTGACTTTCTGTGTATTTTTTCAGAATTCATTATATAAGCAAGTGGAAGAAA[T>C]GGAGCAAGATAGCCTAGTAACCTTGAACGTTGAACGCTTAAAAGGAACATATGGCCGTAT-3'
Protein context (NP_115495.3, residues 3658-3678): QNSLYKQVEE[Met3668Thr]EQDSLVTLNV